The following is an entry in ClinVar:

NM_000553.6(WRN):c.1624A>G (p.Met542Val)

Gene: WRN (WRN RecQ like helicase; plus strand). Cytogenetic location: 8p12.
Variant type: single nucleotide variant.
Coding change: c.1624A>G on transcript NM_000553.6 (MANE Select); coding-DNA position 1624, A replaced by G.
Protein change: p.Met542Val; replaces methionine 542 with valine.
Molecular consequence: missense variant.
Genome position (GRCh38, 1-based): chr8:31,088,937, A>G. VCF-style: chr8-31088937-A-G. GRCh37 (hg19) VCF-style: chr8-30946453-A-G.
Other names: short protein forms M542V.
Identifiers: ClinVar variation 860410 (VCV000860410.6), dbSNP rs1813640209, ClinGen allele CA370926377.
Genomic context (GRCh38, chr8:31,088,937, plus strand): 5'-ATTTTATTTCCAGACTTTTTGTGGCCAGCACCCAATGAAGAGCAAGTTACTTGCCTCAAG[A>G]TGTACTTTGGCCATTCCAGTTTTAAACCGTGAGTATAATCTCATTTAATCAAATCACATA-3'
Protein context (NP_000544.2, residues 532-552): PNEEQVTCLK[Met542Val]YFGHSSFKPV

ClinVar aggregate classification (germline): Uncertain significance (1 of 4 stars; one submission).

Conditions:
Werner syndrome (WRN). Identifiers: Orphanet 902, MedGen C0043119, MONDO:0010196, OMIM 277700.

Allele frequency attached by ClinVar (database versions not stated): TOPMed 0.00001.

Submission:

Labcorp Genetics (formerly Invitae), Labcorp
Classification: Uncertain significance for Werner syndrome. Last evaluated: 2023-03-07. Review status: criteria provided, single submitter. Criteria: Invitae Variant Classification Sherloc (09022015). Collection method: clinical testing. Allele origin: germline.
Comment: This sequence change replaces methionine, which is neutral and non-polar, with valine, which is neutral and non-polar, at codon 542 of the WRN protein (p.Met542Val). This variant is not present in population databases (gnomAD no frequency). This variant has not been reported in the literature in individuals affected with WRN-related conditions. ClinVar contains an entry for this variant (Variation ID: 860410). An algorithm developed to predict the effect of missense changes on protein structure and function (PolyPhen-2) suggests that this variant is likely to be tolerated. In summary, the available evidence is currently insufficient to determine the role of this variant in disease. Therefore, it has been classified as a Variant of Uncertain Significance.